The following is an entry in ClinVar:

NM_001735.3(C5):c.3731C>T (p.Thr1244Met)

Gene: C5 (complement C5; minus strand). Cytogenetic location: 9q33.2.
Variant type: single nucleotide variant.
Coding change: c.3731C>T on transcript NM_001735.3 (MANE Select); coding-DNA position 3731, C replaced by T.
Protein change: p.Thr1244Met; replaces threonine 1244 with methionine.
Molecular consequence: missense variant.
Genome position (GRCh38, 1-based): chr9:120,976,833, G>A on the plus strand (C>T on the coding strand, the complement: C5 is on the minus strand). VCF-style: chr9-120976833-G-A. GRCh37 (hg19) VCF-style: chr9-123739111-G-A.
Other names: c.3749C>T, p.Thr1250Met (NM_001317163.2); short protein forms T1244M, T1250M.
Identifiers: ClinVar variation 1380971 (VCV001380971.7), dbSNP rs754562499, ClinGen allele CA5217398.

ClinVar aggregate classification (germline): Uncertain significance. Review status: criteria provided, multiple submitters, no conflicts (2 of 4 stars). 2 submissions from 2 submitters: Uncertain significance (2). Last evaluated 2024-12-09.

Conditions:
Complement component 5 deficiency. Also called: C5 DEFICIENCY. Identifiers: MedGen C0343047, MONDO:0012295, OMIM 609536.
Eculizumab, poor response to. Identifiers: MedGen C3810402, OMIM 615749.

Allele frequency attached by ClinVar (database versions not stated): ExAC 0.00003; gnomAD exomes 0.00003; gnomAD 0.00006 and 0.00007; TOPMed 0.00008.
gnomAD v4.1: 56 of 1,613,914 alleles (0.0035%); highest among the groups gnomAD compares: African/African-American, 0.021%; no homozygotes.

Submissions (2):

Labcorp Genetics (formerly Invitae), Labcorp
Classification: Uncertain significance. Last evaluated: 2024-12-09. Review status: criteria provided, single submitter. Criteria: Invitae Variant Classification Sherloc (09022015). Collection method: clinical testing. Allele origin: germline.
Comment: This sequence change replaces threonine, which is neutral and polar, with methionine, which is neutral and non-polar, at codon 1244 of the C5 protein (p.Thr1244Met). This variant is present in population databases (rs754562499, gnomAD 0.02%). This variant has not been reported in the literature in individuals affected with C5-related conditions. ClinVar contains an entry for this variant (Variation ID: 1380971). An algorithm developed to predict the effect of missense changes on protein structure and function (PolyPhen-2) suggests that this variant is likely to be disruptive. In summary, the available evidence is currently insufficient to determine the role of this variant in disease. Therefore, it has been classified as a Variant of Uncertain Significance.

Fulgent Genetics
Classification: Uncertain significance for Complement component 5 deficiency; Eculizumab, poor response to. Last evaluated: 2022-04-01. Review status: criteria provided, single submitter. Criteria: ACMG Guidelines, 2015. Collection method: clinical testing. Allele origin: unknown.